The following is an entry in ClinVar:

NC_000020.10:g.(?_54823900)_(57899514_?)del

Genes: ANKRD60 (ankyrin repeat domain 60; minus strand), APCDD1L (APC down-regulated 1 like; minus strand), ATP5F1E (ATP synthase F1 subunit epsilon; minus strand), AURKA (aurora kinase A; minus strand), BMP7 (bone morphogenetic protein 7; minus strand) and 33 more. Cytogenetic location: 20q13.2-13.32.
Variant type: Deletion.
Identifiers: ClinVar variation 1374167 (VCV001374167.5).

ClinVar aggregate classification (germline): no classifications from unflagged records (0 of 4 stars; one submission).

Submission:

Labcorp Genetics (formerly Invitae), Labcorp
Classification: Uncertain significance. Last evaluated: 2023-10-13. Review status: flagged submission. Criteria: Invitae Variant Classification Sherloc (09022015). Collection method: clinical testing. Allele origin: germline.
Comment: A gross deletion of the genomic region encompassing the full coding sequence of the PCK1 gene has been identified. The current clinical and genetic evidence is not sufficient to establish whether loss-of-function variants in PCK1 cause disease. The boundaries of this event are unknown as they extend beyond the assayed region for this gene and therefore may encompass additional genes. This variant has not been reported in the literature in individuals affected with PCK1-related conditions. In summary, the available evidence is currently insufficient to determine the role of this variant in disease. Therefore, it has been classified as a Variant of Uncertain Significance.
ClinVar note: Notes: This submission was flagged because its interpretation of this variant conflicts with the ClinGen Gene Dosage Map curation for the gene GNAS.
ClinVar note: Reason: Conflict with ClinGen Gene Dosage Map